The following is an entry in ClinVar:

NM_015338.6(ASXL1):c.335G>T (p.Gly112Val)

Gene: ASXL1 (ASXL transcriptional regulator 1; plus strand). Cytogenetic location: 20q11.21.
Variant type: single nucleotide variant.
Coding change: c.335G>T on transcript NM_015338.6 (MANE Select); coding-DNA position 335, G replaced by T.
Protein change: p.Gly112Val; replaces glycine 112 with valine.
Molecular consequence: missense variant.
Genome position (GRCh38, 1-based): chr20:32,428,210, G>T. VCF-style: chr20-32428210-G-T. GRCh37 (hg19) VCF-style: chr20-31016013-G-T.
Other names: c.305G>T, p.Gly102Val (NM_001363734.1); short protein forms G112V, G102V.
Identifiers: ClinVar variation 3439357 (VCV003439357.1).

ClinVar aggregate classification (germline): Uncertain significance (1 of 4 stars; one submission).

Conditions:
Inborn genetic diseases. Identifiers: MedGen C0950123, MeSH D030342.

Submission:

Ambry Genetics
Classification: Uncertain significance for Inborn genetic diseases. Last evaluated: 2024-12-02. Review status: criteria provided, single submitter. Criteria: Ambry Variant Classification Scheme 2023. Collection method: clinical testing. Allele origin: germline.
Comment: The p.G112V variant (also known as c.335G>T), located in coding exon 5 of the ASXL1 gene, results from a G to T substitution at nucleotide position 335. The glycine at codon 112 is replaced by valine, an amino acid with dissimilar properties. This amino acid position is conserved. In addition, this alteration is predicted to be tolerated by in silico analysis. Based on the available evidence, the clinical significance of this variant remains unclear.